The following is an entry in ClinVar:

NM_006019.4(TCIRG1):c.1387G>T (p.Glu463Ter)

Gene: TCIRG1 (T cell immune regulator 1, ATPase H+ transporting V0 subunit a3; plus strand). Cytogenetic location: 11q13.2.
Variant type: single nucleotide variant.
Coding change: c.1387G>T on transcript NM_006019.4 (MANE Select); coding-DNA position 1387, G replaced by T.
Protein change: p.Glu463Ter; replaces glutamic acid 463 with a stop codon.
Molecular consequence: nonsense.
Genome position (GRCh38, 1-based): chr11:68,047,728, G>T. VCF-style: chr11-68047728-G-T. GRCh37 (hg19) VCF-style: chr11-67815195-G-T.
Other names: c.493G>T, p.Glu165Ter (NM_001351059.2); c.739G>T, p.Glu247Ter (NM_006053.4); short protein forms E247*, E463*, E165*.
Identifiers: ClinVar variation 1964156 (VCV001964156.6), dbSNP rs774578979, ClinGen allele CA6147091.

ClinVar aggregate classification (germline): Pathogenic/Likely pathogenic. Review status: criteria provided, multiple submitters, no conflicts (2 of 4 stars). 2 submissions from 2 submitters: Pathogenic (1); Likely pathogenic (1). Last evaluated 2023-11-14.

Conditions:
Autosomal recessive osteopetrosis 1. Also called: TCIRG1-Related Osteopetrosis; ALBERS-SCHONBERG DISEASE, AUTOSOMAL RECESSIVE; TCIRG1-Related Autosomal Recessive Osteopetrosis. Identifiers: Orphanet 667, MedGen C1850127, MONDO:0009815, OMIM 259700.

gnomAD v4.1: 3 of 1,613,266 alleles (0.00019%); highest among the groups gnomAD compares: Non-Finnish European, 0.00025%; no homozygotes.

Submissions (2):

Labcorp Genetics (formerly Invitae), Labcorp
Classification: Pathogenic. Last evaluated: 2023-11-14. Review status: criteria provided, single submitter. Criteria: Invitae Variant Classification Sherloc (09022015). Collection method: clinical testing. Allele origin: germline.
Comment: This sequence change creates a premature translational stop signal (p.Glu463*) in the TCIRG1 gene. It is expected to result in an absent or disrupted protein product. Loss-of-function variants in TCIRG1 are known to be pathogenic (PMID: 10888887, 10942435, 11532986, 19448635). This variant is present in population databases (rs774578979, gnomAD 0.002%). This variant has not been reported in the literature in individuals affected with TCIRG1-related conditions. ClinVar contains an entry for this variant (Variation ID: 1964156). For these reasons, this variant has been classified as Pathogenic.

Baylor Genetics
Classification: Likely pathogenic for Autosomal recessive osteopetrosis 1. Last evaluated: 2023-02-02. Review status: criteria provided, single submitter. Criteria: ACMG Guidelines, 2015. Collection method: clinical testing. Allele origin: unknown.

Literature cited by the submitters: PubMed 10888887 (cited by Labcorp Genetics (formerly Invitae), Labcorp); PubMed 10942435 (cited by Labcorp Genetics (formerly Invitae), Labcorp); PubMed 11532986 (cited by Labcorp Genetics (formerly Invitae), Labcorp); PubMed 19448635 (cited by Labcorp Genetics (formerly Invitae), Labcorp).